The following is an entry in ClinVar:

NM_001357.5(DHX9):c.2760A>G (p.Ser920=)

Gene: DHX9 (DExH-box helicase 9; plus strand). Cytogenetic location: 1q25.3.
Variant type: single nucleotide variant.
Coding change: c.2760A>G on transcript NM_001357.5 (MANE Select); coding-DNA position 2760, A replaced by G.
Protein change: p.Ser920=; no amino-acid change (serine 920 retained).
Molecular consequence: synonymous variant. On other transcripts: non-coding transcript variant (1).
Genome position (GRCh38, 1-based): chr1:182,881,399, A>G. VCF-style: chr1-182881399-A-G. GRCh37 (hg19) VCF-style: chr1-182850534-A-G.
Identifiers: ClinVar variation 4281449 (VCV004281449.7).

ClinVar aggregate classification (germline): Likely benign (1 of 4 stars; one submission).

gnomAD v4.1: 34 of 1,614,022 alleles (0.0021%); highest among the groups gnomAD compares: Non-Finnish European, 0.0025%; no homozygotes.

Submission:

CeGaT Center for Human Genetics Tuebingen
Classification: Likely benign. Last evaluated: 2025-09-01. Review status: criteria provided, single submitter. Criteria: CeGaT Center For Human Genetics Tuebingen Variant Classification Criteria Version 2. Collection method: clinical testing. Allele origin: germline. Affected: yes. Observed: 1 variant allele.
Comment: DHX9: BP4, BP7